The following is an entry in ClinVar:

NM_003380.5(VIM):c.1372A>G (p.Thr458Ala)

Gene: VIM (vimentin; plus strand). Cytogenetic location: 10p13.
Variant type: single nucleotide variant.
Coding change: c.1372A>G on transcript NM_003380.5 (MANE Select); coding-DNA position 1372, A replaced by G.
Protein change: p.Thr458Ala; replaces threonine 458 with alanine.
Molecular consequence: missense variant.
Genome position (GRCh38, 1-based): chr10:17,237,242, A>G. VCF-style: chr10-17237242-A-G. GRCh37 (hg19) VCF-style: chr10-17279241-A-G.
Other names: short protein forms T458A.
Identifiers: ClinVar variation 2345133 (VCV002345133.6), dbSNP rs747701399, ClinGen allele CA5426791.

ClinVar aggregate classification (germline): Uncertain significance. Review status: criteria provided, multiple submitters, no conflicts (2 of 4 stars). 2 submissions from 2 submitters: Uncertain significance (2). Last evaluated 2025-04-11.

Conditions:
Cataract 30 (CTRCT30). Also called: CATARACT 30, PULVERULENT. Identifiers: Orphanet 91492, Orphanet 98984, Orphanet 98992, MedGen C3805411, MONDO:0007286, OMIM 116300.

Allele frequency attached by ClinVar (database versions not stated): gnomAD 0.00003; ExAC 0.00004; TOPMed 0.00004; gnomAD exomes 0.00009.
gnomAD v4.1: 132 of 1,605,622 alleles (0.0082%); highest among the groups gnomAD compares: Non-Finnish European, 0.011%; 1 homozygote.

Submissions (2):

Ambry Genetics
Classification: Uncertain significance. Last evaluated: 2025-04-11. Review status: criteria provided, single submitter. Criteria: Ambry Variant Classification Scheme 2023. Collection method: clinical testing. Allele origin: germline.

Labcorp Genetics (formerly Invitae), Labcorp
Classification: Uncertain significance for Cataract 30. Last evaluated: 2023-12-22. Review status: criteria provided, single submitter. Criteria: Invitae Variant Classification Sherloc (09022015). Collection method: clinical testing. Allele origin: germline.
Comment: This sequence change replaces threonine, which is neutral and polar, with alanine, which is neutral and non-polar, at codon 458 of the VIM protein (p.Thr458Ala). This variant is present in population databases (rs747701399, gnomAD 0.01%). This variant has not been reported in the literature in individuals affected with VIM-related conditions. ClinVar contains an entry for this variant (Variation ID: 2345133). An algorithm developed to predict the effect of missense changes on protein structure and function (PolyPhen-2) suggests that this variant is likely to be tolerated. In summary, the available evidence is currently insufficient to determine the role of this variant in disease. Therefore, it has been classified as a Variant of Uncertain Significance.